The following is an entry in ClinVar:

ClinVar aggregate classification (germline): Uncertain significance (1 of 4 stars; one submission).

Allele frequency attached by ClinVar (database versions not stated): gnomAD exomes below 0.00001.
gnomAD v4.1: 1 of 1,613,682 alleles (0.000062%); highest among the groups gnomAD compares: Non-Finnish European, 0.000085%; no homozygotes.

Submission:

Labcorp Genetics (formerly Invitae), Labcorp
Classification: Uncertain significance. Last evaluated: 2025-12-15. Review status: criteria provided, single submitter. Criteria: Invitae Variant Classification Sherloc (09022015). Collection method: clinical testing. Allele origin: germline.
Comment: This sequence change replaces proline, which is neutral and non-polar, with leucine, which is neutral and non-polar, at codon 656 of the MKL1 protein (p.Pro656Leu). This variant is not present in population databases (gnomAD no frequency). This variant has not been reported in the literature in individuals affected with MKL1-related conditions. ClinVar contains an entry for this variant (Variation ID: 2698531). An algorithm developed to predict the effect of missense changes on protein structure and function (PolyPhen-2) suggests that this variant is likely to be disruptive. In summary, the available evidence is currently insufficient to determine the role of this variant in disease. Therefore, it has been classified as a Variant of Uncertain Significance.

NM_020831.6(MRTFA):c.2267C>T (p.Pro756Leu)

Gene: MRTFA (myocardin related transcription factor A; minus strand). Cytogenetic location: 22q13.1.
Variant type: single nucleotide variant.
Coding change: c.2267C>T on transcript NM_020831.6 (MANE Select); coding-DNA position 2267, C replaced by T.
Protein change: p.Pro756Leu; replaces proline 756 with leucine.
Molecular consequence: missense variant.
Genome position (GRCh38, 1-based): chr22:40,418,471, G>A on the plus strand (C>T on the coding strand, the complement: MRTFA is on the minus strand). VCF-style: chr22-40418471-G-A. GRCh37 (hg19) VCF-style: chr22-40814475-G-A.
Other names: c.1967C>T, p.Pro656Leu (NM_001282660.2); c.2117C>T, p.Pro706Leu (NM_001282661.3); c.2267C>T, p.Pro756Leu (NM_001282662.3); c.2072C>T, p.Pro691Leu (NM_001318139.2); short protein forms P656L, P706L, P691L, P756L.
Identifiers: ClinVar variation 2698531 (VCV002698531.3), dbSNP rs2517811808, ClinGen allele CA411657466.